The following is an entry in ClinVar:

ClinVar aggregate classification (germline): Uncertain significance (1 of 4 stars; one submission).

Conditions:
Duchenne muscular dystrophy (DMD). Also called: Duchenne Muscular Dystrophy (DMD); MUSCULAR DYSTROPHY, PSEUDOHYPERTROPHIC PROGRESSIVE, DUCHENNE TYPE. Identifiers: Orphanet 98896, MedGen C0013264, MONDO:0010679, OMIM 310200.

Submission:

Labcorp Genetics (formerly Invitae), Labcorp
Classification: Uncertain significance for Duchenne muscular dystrophy. Last evaluated: 2019-07-20. Review status: criteria provided, single submitter. Criteria: Invitae Variant Classification Sherloc (09022015). Collection method: clinical testing. Allele origin: germline.
Comment: This variant results in a copy number gain of the genomic region encompassing exon 42 of the DMD gene. While the exact position of this variant cannot be determined from this data, sub-genic copy number gains are generally in tandem (PMID: 25640679). This variant would be expected to be in-frame, preserving the integrity of the reading frame. This variant has not been reported in the literature in individuals with DMD-related disease. Experimental studies are not available for this variant, and the functional significance of a copy number gain of this exon is currently unknown. In summary, the available evidence is currently insufficient to determine the role of this variant in disease. Therefore, it has been classified as a Variant of Uncertain Significance.

NC_000023.11:g.(?_32310072)_(32310286_?)dup

Gene: DMD (dystrophin; minus strand). Cytogenetic location: Xp21.1.
Variant type: Duplication.
Identifiers: ClinVar variation 832253 (VCV000832253.1).